The following is an entry in ClinVar:

NM_201596.3(CACNB2):c.1785C>T (p.His595=)

Gene: CACNB2 (calcium voltage-gated channel auxiliary subunit beta 2; plus strand). Cytogenetic location: 10p12.31.
Variant type: single nucleotide variant.
Coding change: c.1785C>T on transcript NM_201596.3 (MANE Select); coding-DNA position 1785, C replaced by T.
Protein change: p.His595=; no amino-acid change (histidine 595 retained).
Molecular consequence: synonymous variant.
Genome position (GRCh38, 1-based): chr10:18,539,526, C>T. VCF-style: chr10-18539526-C-T. GRCh37 (hg19) VCF-style: chr10-18828455-C-T.
Other names: p.H540H:CAC>CAT; c.1620C>T, p.His540= (NM_000724.4); c.1587C>T, p.His529= (NM_001167945.2); c.1506C>T, p.His502= (NM_001330060.2); c.1641C>T, p.His547= (NM_201570.3); c.1701C>T, p.His567= (NM_201571.4); c.1629C>T, p.His543= (NM_201572.4); c.1623C>T, p.His541= (NM_201590.3); and 2 more.
Identifiers: ClinVar variation 136648 (VCV000136648.23), dbSNP rs61733967, ClinGen allele CA289946.

ClinVar aggregate classification (germline): Benign/Likely benign. Review status: criteria provided, multiple submitters, no conflicts (2 of 4 stars). 9 submissions from 9 submitters: Benign (6); Likely benign (1). 2 of the submissions do not count toward it. Last evaluated 2026-02-02.

Conditions:
CACNB2-related disorder. Also called: CACNB2-related condition.
Cardiovascular phenotype. Identifiers: MedGen CN230736.
Brugada syndrome 4 (BRGDA4). Identifiers: Orphanet 130, MedGen C2678477, MONDO:0012743, OMIM 611876.

Allele frequency attached by ClinVar (database versions not stated): gnomAD exomes 0.00074 and 0.00206; ExAC 0.00261; 1000 Genomes Project 0.00779; 1000 Genomes Project 30x 0.00781; gnomAD 0.00812 and 0.00879; TOPMed 0.00840; ESP Exome Variant Server 0.00946.
gnomAD v4.1: 2,356 of 1,613,866 alleles (0.15%); highest among the groups gnomAD compares: African/African-American, 2.8%; 29 homozygotes.

Submissions (9):

Labcorp Genetics (formerly Invitae), Labcorp
Classification: Benign for Brugada syndrome 4. Last evaluated: 2026-02-02. Review status: criteria provided, single submitter. Criteria: Invitae Variant Classification Sherloc (09022015). Collection method: clinical testing. Allele origin: germline.

Fulgent Genetics
Classification: Likely benign for Brugada syndrome 4. Last evaluated: 2022-02-14. Review status: criteria provided, single submitter. Criteria: ACMG Guidelines, 2015. Collection method: clinical testing. Allele origin: unknown.

Genome Diagnostics Laboratory, University Medical Center Utrecht
Classification: Benign for Brugada syndrome 4. Last evaluated: 2016-08-24. Review status: criteria provided, single submitter. Criteria: ACGS Guidelines, 2013. Collection method: clinical testing. Allele origin: germline. Affected: yes. Study: VKGL Data-share Consensus.

Women's Health and Genetics/Laboratory Corporation of America, LabCorp
Classification: Benign. Last evaluated: 2016-01-13. Review status: criteria provided, single submitter. Criteria: LabCorp Variant Classification Summary - May 2015. Collection method: clinical testing. Allele origin: germline.
Comment: Variant summary: The c.1623C>T variant involves the alteration of a non-conserved nucleotide resulting in a synonymous change. 5/5 in silico tools via Alamut predict no significant effect on splicing. This variant is found in 317/121328 control chromosomes (5 homozygotes) at a frequency of 0.0026128, which is about 261 times of maximal expected frequency of a pathogenic allele (0.00001), suggesting this variant is benign. In addition, one clinical laboratory classified this variant as benign. The variant of interest has not, to our knowledge, been reported in affected individuals via publications and/or reputable databases/other clinical laboratories; nor evaluated for functional impact by in vivo/vitro studies. Taken together, this variant was classified as benign.

Ambry Genetics
Classification: Benign for Cardiovascular phenotype. Last evaluated: 2015-07-15. Review status: criteria provided, single submitter. Criteria: Ambry Variant Classification Scheme 2023. Collection method: clinical testing. Allele origin: germline.

GeneDx
Classification: Benign. Last evaluated: 2014-01-16. Review status: criteria provided, single submitter. Criteria: GeneDx Variant Classification (06012015). Collection method: clinical testing. Allele origin: germline. Affected: yes.
Comment: This variant is considered likely benign or benign based on one or more of the following criteria: it is a conservative change, it occurs at a poorly conserved position in the protein, it is predicted to be benign by multiple in silico algorithms, and/or has population frequency not consistent with disease.

Breakthrough Genomics
Classification: Benign. Review status: criteria provided, single submitter. Criteria: ACMG Guidelines, 2015. Collection method: not provided. Allele origin: germline. Inheritance: Autosomal dominant inheritance. Affected: yes.

PreventionGenetics, part of Exact Sciences
Classification: Benign for CACNB2-related condition. Last evaluated: 2019-05-03. Review status: no assertion criteria provided. Collection method: clinical testing. Allele origin: germline. Not counted in ClinVar's aggregate classification.
Comment: This variant is classified as benign based on ACMG/AMP sequence variant interpretation guidelines (Richards et al. 2015 PMID: 25741868, with internal and published modifications).

Clinical Genetics, Academic Medical Center
Classification: Benign. Review status: no assertion criteria provided. Collection method: clinical testing. Allele origin: germline. Affected: yes. Study: VKGL Data-share Consensus. Not counted in ClinVar's aggregate classification.